The following is an entry in ClinVar:

NM_004036.5(ADCY3):c.180G>C (p.Glu60Asp)

Gene: ADCY3 (adenylate cyclase 3; minus strand). Cytogenetic location: 2p23.3.
Variant type: single nucleotide variant.
Coding change: c.180G>C on transcript NM_004036.5 (MANE Select); coding-DNA position 180, G replaced by C.
Protein change: p.Glu60Asp; replaces glutamic acid 60 with aspartic acid.
Molecular consequence: missense variant.
Genome position (GRCh38, 1-based): chr2:24,918,808, C>G on the plus strand (G>C on the coding strand, the complement: ADCY3 is on the minus strand). VCF-style: chr2-24918808-C-G. GRCh37 (hg19) VCF-style: chr2-25141677-C-G.
Other names: c.180G>C, p.Glu60Asp (NM_001320613.2, NM_001377128.1, NM_001377129.1 and 2 more transcripts); c.180G>C (NM_004036.3, NM_004036.4); short protein forms E60D.
Identifiers: ClinVar variation 3351459 (VCV003351459.4).
Genomic context (GRCh38, chr2:24,918,808, plus strand): 5'-CACCAGCAGGGTCTCGTGGCGCTGCCTTTTGAAGTAGGTCTGGTAGAGGTTCTCCAAGGA[C>G]TCCGGCACGAAAGTCAGCCGCATGAAGCGAGGCAGGCACAGGCAGGAGCCCGAGTTCCGG-3'
Protein context (NP_004027.2, residues 50-70): PRFMRLTFVP[Glu60Asp]SLENLYQTYF

ClinVar aggregate classification (germline): Uncertain significance. Review status: criteria provided, multiple submitters, no conflicts (2 of 4 stars). 3 submissions from 3 submitters: Uncertain significance (3). Last evaluated 2026-03-26.

Conditions:
Inborn genetic diseases. Identifiers: MedGen C0950123, MeSH D030342.
ADCY3-related disorder. Also called: ADCY3-related condition.

gnomAD v4.1: 27 of 1,613,726 alleles (0.0017%); highest among the groups gnomAD compares: African/African-American, 0.028%; no homozygotes.

Submissions (3):

PreventionGenetics, part of Exact Sciences
Classification: Uncertain significance for ADCY3-related condition. Last evaluated: 2026-03-26. Review status: criteria provided, single submitter. Criteria: ACMG Guidelines, 2015. Collection method: clinical testing. Allele origin: germline.
Comment: The ADCY3 c.180G>C variant is predicted to result in the amino acid substitution p.Glu60Asp. To our knowledge, this variant has not been reported in the literature. This variant is reported in 0.016% of alleles in individuals of African descent in gnomAD. At this time, the clinical significance of this variant is uncertain due to the absence of conclusive functional and genetic evidence.

Ambry Genetics
Classification: Uncertain significance for Inborn genetic diseases. Last evaluated: 2025-05-03. Review status: criteria provided, single submitter. Criteria: Ambry Variant Classification Scheme 2023. Collection method: clinical testing. Allele origin: germline.

GeneDx
Classification: Uncertain significance. Last evaluated: 2024-04-04. Review status: criteria provided, single submitter. Criteria: GeneDx Variant Classification Process June 2021. Collection method: clinical testing. Allele origin: germline. Affected: yes.
Comment: In silico analysis indicates that this missense variant does not alter protein structure/function; Has not been previously published as pathogenic or benign to our knowledge; Variants in candidate genes are classified as variants of uncertain significance in accordance with ACMG guidelines (PMID: 25741868)